The following is an entry in ClinVar:

ClinVar aggregate classification (germline): Uncertain significance. Review status: criteria provided, multiple submitters, no conflicts (2 of 4 stars). 2 submissions from 2 submitters: Uncertain significance (2). Last evaluated 2026-07-24.

Conditions:
Cardiovascular phenotype. Identifiers: MedGen CN230736.

Submissions (2):

Ambry Genetics
Classification: Uncertain significance for Cardiovascular phenotype. Last evaluated: 2026-07-24. Review status: criteria provided, single submitter. Criteria: Ambry Variant Classification Scheme 2023. Collection method: clinical testing. Allele origin: germline.
Comment: The p.G1726C variant (also known as c.5176G>T), located in coding exon 12 of the ALPK3 gene, results from a G to T substitution at nucleotide position 5176. The glycine at codon 1726 is replaced by cysteine, an amino acid with highly dissimilar properties. This amino acid position is conserved. In addition, this alteration is predicted to be tolerated by in silico analysis. Based on the available evidence, the clinical significance of this variant remains unclear.

Labcorp Genetics (formerly Invitae), Labcorp
Classification: Uncertain significance. Last evaluated: 2023-05-24. Review status: criteria provided, single submitter. Criteria: Invitae Variant Classification Sherloc (09022015). Collection method: clinical testing. Allele origin: germline.
Comment: An algorithm developed to predict the effect of missense changes on protein structure and function (PolyPhen-2) suggests that this variant is likely to be disruptive. In summary, the available evidence is currently insufficient to determine the role of this variant in disease. Therefore, it has been classified as a Variant of Uncertain Significance. ClinVar contains an entry for this variant (Variation ID: 2113776). This variant has not been reported in the literature in individuals affected with ALPK3-related conditions. This variant is not present in population databases (gnomAD no frequency). This sequence change replaces glycine, which is neutral and non-polar, with cysteine, which is neutral and slightly polar, at codon 1726 of the ALPK3 protein (p.Gly1726Cys).

NM_020778.5(ALPK3):c.4570G>T (p.Gly1524Cys)

Gene: ALPK3 (alpha kinase 3; plus strand). Cytogenetic location: 15q25.3.
Variant type: single nucleotide variant.
Coding change: c.4570G>T on transcript NM_020778.5 (MANE Select); coding-DNA position 4570, G replaced by T.
Protein change: p.Gly1524Cys; replaces glycine 1524 with cysteine.
Molecular consequence: missense variant.
Genome position (GRCh38, 1-based): chr15:84,864,512, G>T. VCF-style: chr15-84864512-G-T. GRCh37 (hg19) VCF-style: chr15-85407743-G-T.
Other names: c.5176G>T (NM_020778.4); short protein forms G1524C.
Identifiers: ClinVar variation 2113776 (VCV002113776.6), dbSNP rs2505729664, ClinGen allele CA393364927.
Genomic context (GRCh38, chr15:84,864,512, plus strand): 5'-CTGTATCTGATCTACCGGCCTGCAAACAATATCCCATATGCTACCCTGGAGGAAGACCTG[G>T]GCAAGCCCCTGGAGTCTTACTGTTCTCGGGAATGGGGCTGTGCTGAGGCTCCGACAGCAT-3'
Protein context (NP_065829.4, residues 1514-1534): IPYATLEEDL[Gly1524Cys]KPLESYCSRE